The following is an entry in ClinVar:

NM_025132.4(WDR19):c.3599A>G (p.Glu1200Gly)

Gene: WDR19 (WD repeat domain 19; plus strand). Cytogenetic location: 4p14.
Variant type: single nucleotide variant.
Coding change: c.3599A>G on transcript NM_025132.4 (MANE Select); coding-DNA position 3599, A replaced by G.
Protein change: p.Glu1200Gly; replaces glutamic acid 1200 with glycine.
Molecular consequence: missense variant.
Genome position (GRCh38, 1-based): chr4:39,274,841, A>G. VCF-style: chr4-39274841-A-G. GRCh37 (hg19) VCF-style: chr4-39276461-A-G.
Other names: c.3119A>G, p.Glu1040Gly (NM_001317924.2); short protein forms E1040G, E1200G.
Identifiers: ClinVar variation 3751107 (VCV003751107.2).

ClinVar aggregate classification (germline): Uncertain significance (1 of 4 stars; one submission).

Conditions:
Senior-Loken syndrome 8 (SLSN8). Identifiers: Orphanet 3156, MedGen C4225376, MONDO:0014579, OMIM 616307.
Asphyxiating thoracic dystrophy 5 (SRTD5). Also called: SHORT-RIB THORACIC DYSPLASIA 5 WITH OR WITHOUT POLYDACTYLY; SHORT-RIB THORACIC DYSPLASIA 5 WITHOUT POLYDACTYLY. Identifiers: Orphanet 474, MedGen C3280598, MONDO:0013717, OMIM 614376.

gnomAD v4.1: 1 of 1,613,838 alleles (0.000062%); no homozygotes.

Submission:

Labcorp Genetics (formerly Invitae), Labcorp
Classification: Uncertain significance for Senior-Loken syndrome 8; Asphyxiating thoracic dystrophy 5. Last evaluated: 2025-01-19. Review status: criteria provided, single submitter. Criteria: Invitae Variant Classification Sherloc (09022015). Collection method: clinical testing. Allele origin: germline.
Comment: This sequence change replaces glutamic acid, which is acidic and polar, with glycine, which is neutral and non-polar, at codon 1200 of the WDR19 protein (p.Glu1200Gly). This variant is not present in population databases (gnomAD no frequency). This variant has not been reported in the literature in individuals affected with WDR19-related conditions. Invitae Evidence Modeling of protein sequence and biophysical properties (such as structural, functional, and spatial information, amino acid conservation, physicochemical variation, residue mobility, and thermodynamic stability) has been performed for this missense variant. However, the output from this modeling did not meet the statistical confidence thresholds required to predict the impact of this variant on WDR19 protein function. In summary, the available evidence is currently insufficient to determine the role of this variant in disease. Therefore, it has been classified as a Variant of Uncertain Significance.